The following is an entry in ClinVar:

NM_001080517.3(SETD5):c.1513C>T (p.His505Tyr)

Gene: SETD5 (SET domain containing 5; plus strand). Cytogenetic location: 3p25.3.
Variant type: single nucleotide variant.
Coding change: c.1513C>T on transcript NM_001080517.3 (MANE Select); coding-DNA position 1513, C replaced by T.
Protein change: p.His505Tyr; replaces histidine 505 with tyrosine.
Molecular consequence: missense variant.
Genome position (GRCh38, 1-based): chr3:9,445,729, C>T. VCF-style: chr3-9445729-C-T. GRCh37 (hg19) VCF-style: chr3-9487413-C-T.
Other names: c.1513C>T (NM_001080517.2); c.1219C>T, p.His407Tyr (NM_001292043.2, NM_001349451.2); short protein forms H407Y, H505Y.
Identifiers: ClinVar variation 2503956 (VCV002503956.3), dbSNP rs2472855776, ClinGen allele CA351694220.

ClinVar aggregate classification (germline): Uncertain significance. Review status: criteria provided, multiple submitters, no conflicts (2 of 4 stars). 2 submissions from 2 submitters: Uncertain significance (2). Last evaluated 2024-11-03.

Allele frequency attached by ClinVar (database versions not stated): gnomAD exomes below 0.00001.

Submissions (2):

Labcorp Genetics (formerly Invitae), Labcorp
Classification: Uncertain significance. Last evaluated: 2024-11-03. Review status: criteria provided, single submitter. Criteria: Invitae Variant Classification Sherloc (09022015). Collection method: clinical testing. Allele origin: germline.
Comment: This sequence change replaces histidine, which is basic and polar, with tyrosine, which is neutral and polar, at codon 505 of the SETD5 protein (p.His505Tyr). This variant is not present in population databases (gnomAD no frequency). This variant has not been reported in the literature in individuals affected with SETD5-related conditions. ClinVar contains an entry for this variant (Variation ID: 2503956). Invitae Evidence Modeling of protein sequence and biophysical properties (such as structural, functional, and spatial information, amino acid conservation, physicochemical variation, residue mobility, and thermodynamic stability) indicates that this missense variant is not expected to disrupt SETD5 protein function with a negative predictive value of 80%. In summary, the available evidence is currently insufficient to determine the role of this variant in disease. Therefore, it has been classified as a Variant of Uncertain Significance.

Women's Health and Genetics/Laboratory Corporation of America, LabCorp
Classification: Uncertain significance. Last evaluated: 2023-04-28. Review status: criteria provided, single submitter. Criteria: LabCorp Variant Classification Summary - May 2015. Collection method: clinical testing. Allele origin: germline.
Comment: Variant summary: SETD5 c.1513C>T (p.His505Tyr) results in a conservative amino acid change in the encoded protein sequence. Five of five in-silico tools predict a benign effect of the variant on protein function. The variant was absent in 247618 control chromosomes (gnomAD). The available data on variant occurrences in the general population are insufficient to allow any conclusion about variant significance. To our knowledge, no occurrence of c.1513C>T in individuals affected with Mental Retardation, Autosomal Dominant 23 and no experimental evidence demonstrating its impact on protein function have been reported. No clinical diagnostic laboratories have submitted clinical-significance assessments for this variant to ClinVar after 2014. Based on the evidence outlined above, the variant was classified as uncertain significance.